The following is an entry in ClinVar:

ClinVar aggregate classification (germline): Benign (1 of 4 stars; one submission).

Conditions:
POLD1-related polyposis and colorectal cancer syndrome (CRCS10). Also called: Colorectal cancer 10; COLORECTAL CANCER, SUSCEPTIBILITY TO, ON CHROMOSOME 19q; Colorectal cancer, susceptibility to, 10. Identifiers: Orphanet 220460, MedGen C2675481, MONDO:0012953, OMIM 612591.

Submission:

Myriad Genetics, Inc.
Classification: Benign for POLD1-related polyposis and colorectal cancer syndrome. Last evaluated: 2025-02-06. Review status: criteria provided, single submitter. Criteria: Myriad Autosomal Dominant, Autosomal Recessive and X-Linked Classification Criteria (2023). Collection method: clinical testing. Allele origin: unknown.
Comment: This variant is considered benign. This variant is a silent/synonymous amino acid change and it is not expected to impact splicing.

NM_002691.4(POLD1):c.1263G>T (p.Leu421=)

Gene: POLD1 (DNA polymerase delta 1, catalytic subunit; plus strand). Cytogenetic location: 19q13.33.
Variant type: single nucleotide variant.
Coding change: c.1263G>T on transcript NM_002691.4 (MANE Select); coding-DNA position 1263, G replaced by T.
Protein change: p.Leu421=; no amino-acid change (leucine 421 retained).
Molecular consequence: synonymous variant. On other transcripts: non-coding transcript variant (1).
Genome position (GRCh38, 1-based): chr19:50,406,202, G>T. VCF-style: chr19-50406202-G-T. GRCh37 (hg19) VCF-style: chr19-50909459-G-T.
Other names: c.1263G>T, p.Leu421= (NM_001256849.1, NM_001308632.1).
Identifiers: ClinVar variation 3904328 (VCV003904328.1).